The following is an entry in ClinVar:

NM_022089.4(ATP13A2):c.2045C>T (p.Ala682Val)

Gene: ATP13A2 (ATPase cation transporting 13A2; minus strand). Cytogenetic location: 1p36.13.
Variant type: single nucleotide variant.
Coding change: c.2045C>T on transcript NM_022089.4 (MANE Select); coding-DNA position 2045, C replaced by T.
Protein change: p.Ala682Val; replaces alanine 682 with valine.
Molecular consequence: missense variant.
Genome position (GRCh38, 1-based): chr1:16,992,090, G>A on the plus strand (C>T on the coding strand, the complement: ATP13A2 is on the minus strand). VCF-style: chr1-16992090-G-A. GRCh37 (hg19) VCF-style: chr1-17318585-G-A.
Other names: c.2030C>T, p.Ala677Val (NM_001141973.3, NM_001141974.3); short protein forms A677V, A682V.
Identifiers: ClinVar variation 2079170 (VCV002079170.4), dbSNP rs1348874016, ClinGen allele CA338244742.

ClinVar aggregate classification (germline): Uncertain significance (1 of 4 stars; one submission).

Conditions:
Autosomal recessive spastic paraplegia type 78. Identifiers: Orphanet 513436, MedGen C5567893, MONDO:0014975, OMIM 617225.
Kufor-Rakeb syndrome (KRS). Also called: PARKINSON DISEASE 9, AUTOSOMAL RECESSIVE, JUVENILE-ONSET. Identifiers: Orphanet 306674, Orphanet 314632, MedGen C1847640, MONDO:0011706, OMIM 606693.

Submission:

Labcorp Genetics (formerly Invitae), Labcorp
Classification: Uncertain significance for Kufor-Rakeb syndrome; Autosomal recessive spastic paraplegia type 78. Last evaluated: 2022-01-11. Review status: criteria provided, single submitter. Criteria: Invitae Variant Classification Sherloc (09022015). Collection method: clinical testing. Allele origin: germline.
Comment: In summary, the available evidence is currently insufficient to determine the role of this variant in disease. Therefore, it has been classified as a Variant of Uncertain Significance. Advanced modeling of protein sequence and biophysical properties (such as structural, functional, and spatial information, amino acid conservation, physicochemical variation, residue mobility, and thermodynamic stability) performed at Invitae indicates that this missense variant is not expected to disrupt ATP13A2 protein function. This variant has not been reported in the literature in individuals affected with ATP13A2-related conditions. This variant is not present in population databases (gnomAD no frequency). This sequence change replaces alanine, which is neutral and non-polar, with valine, which is neutral and non-polar, at codon 682 of the ATP13A2 protein (p.Ala682Val).